The following is an entry in ClinVar:

NM_005477.3(HCN4):c.2784G>A (p.Pro928=)

Gene: HCN4 (hyperpolarization activated cyclic nucleotide gated potassium channel 4; minus strand). Cytogenetic location: 15q24.1.
Variant type: single nucleotide variant.
Coding change: c.2784G>A on transcript NM_005477.3 (MANE Select); coding-DNA position 2784, G replaced by A.
Protein change: p.Pro928=; no amino-acid change (proline 928 retained).
Molecular consequence: synonymous variant.
Genome position (GRCh38, 1-based): chr15:73,323,309, C>T on the plus strand (G>A on the coding strand, the complement: HCN4 is on the minus strand). VCF-style: chr15-73323309-C-T. GRCh37 (hg19) VCF-style: chr15-73615650-C-T.
Identifiers: ClinVar variation 1093519 (VCV001093519.13), dbSNP rs553559079, ClinGen allele CA7648956.
Genomic context (GRCh38, chr15:73,323,309, plus strand): 5'-GGCCCCGGGTGGCGCGGGAGATGGCTGGGCAGCCTGCGGGGAGCGGGCGCCTGGCTGCAG[C>T]GGGGTGAGCAGGGGAGAGTCGGAGGAGGACAGGGAGCCACCCAGCGCCTTGTGGAAGTGG-3'
Protein context (NP_005468.1, residues 918-938): LSSSDSPLLT[Pro928=]LQPGARSPQA

ClinVar aggregate classification (germline): Likely benign. Review status: criteria provided, multiple submitters, no conflicts (2 of 4 stars). 4 submissions from 4 submitters: Likely benign (4). Last evaluated 2025-04-09.

Conditions:
Cardiovascular phenotype. Identifiers: MedGen CN230736.
Brugada syndrome 8 (BRGDA8). Identifiers: Orphanet 130, MedGen C2751083, MONDO:0013148, OMIM 613123.

Allele frequency attached by ClinVar (database versions not stated): gnomAD 0.00001 and 0.00002; gnomAD exomes 0.00001; ExAC 0.00005; 1000 Genomes Project 0.00020; 1000 Genomes Project 30x 0.00031.
gnomAD v4.1: 19 of 1,547,860 alleles (0.0012%); highest among the groups gnomAD compares: South Asian, 0.0024%; no homozygotes.

Submissions (4):

Molecular Diagnostic Laboratory for Inherited Cardiovascular Disease, Montreal Heart Institute
Classification: Likely benign. Last evaluated: 2025-04-09. Review status: criteria provided, single submitter. Criteria: ACMG Guidelines, 2015. Collection method: clinical testing. Allele origin: germline. Affected: no.
Comment: BP6;BP7

Labcorp Genetics (formerly Invitae), Labcorp
Classification: Likely benign for Brugada syndrome 8. Last evaluated: 2024-08-04. Review status: criteria provided, single submitter. Criteria: Invitae Variant Classification Sherloc (09022015). Collection method: clinical testing. Allele origin: germline.

Blueprint Genetics
Classification: Likely benign. Last evaluated: 2023-08-02. Review status: criteria provided, single submitter. Criteria: ACMG Guidelines, 2015. Collection method: clinical testing. Allele origin: germline.

Ambry Genetics
Classification: Likely benign for Cardiovascular phenotype. Last evaluated: 2019-05-23. Review status: criteria provided, single submitter. Criteria: Ambry Variant Classification Scheme 2023. Collection method: clinical testing. Allele origin: germline.